The following is an entry in ClinVar:

ClinVar aggregate classification (germline): Uncertain significance. Review status: criteria provided, single submitter (1 of 4 stars). 2 submissions from 2 submitters: Uncertain significance (1). 1 of the submissions does not count toward it. Last evaluated 2022-08-16.

Conditions:
TH-deficient dopa-responsive dystonia. Also called: Segawa syndrome, autosomal recessive; Tyrosine Hydroxylase-Deficient Dopa-Responsive Dystonia; DYT-TH. Identifiers: Orphanet 101150, MedGen C2673535, MONDO:0011551, OMIM 605407.

Allele frequency attached by ClinVar (database versions not stated): TOPMed 0.00006; gnomAD 0.00007 and 0.00006.
gnomAD v4.1: 71 of 1,611,752 alleles (0.0044%); highest among the groups gnomAD compares: Middle Eastern, 0.034%; no homozygotes.

Submissions (2):

Labcorp Genetics (formerly Invitae), Labcorp
Classification: Uncertain significance for TH-deficient dopa-responsive dystonia. Last evaluated: 2022-08-16. Review status: criteria provided, single submitter. Criteria: Invitae Variant Classification Sherloc (09022015). Collection method: clinical testing. Allele origin: germline.
Comment: This sequence change replaces valine, which is neutral and non-polar, with methionine, which is neutral and non-polar, at codon 163 of the TH protein (p.Val163Met). The frequency data for this variant in the population databases is considered unreliable, as metrics indicate poor data quality at this position in the gnomAD database. This variant has not been reported in the literature in individuals affected with TH-related conditions. ClinVar contains an entry for this variant (Variation ID: 840771). Advanced modeling of protein sequence and biophysical properties (such as structural, functional, and spatial information, amino acid conservation, physicochemical variation, residue mobility, and thermodynamic stability) performed at Invitae indicates that this missense variant is not expected to disrupt TH protein function. In summary, the available evidence is currently insufficient to determine the role of this variant in disease. Therefore, it has been classified as a Variant of Uncertain Significance.

Natera, Inc.
Classification: Uncertain significance for Autosomal recessive Segawa syndrome. Last evaluated: 2020-04-12. Review status: no assertion criteria provided. Collection method: clinical testing. Allele origin: germline. Not counted in ClinVar's aggregate classification.

NM_000360.4(TH):c.394G>A (p.Val132Met)

Gene: TH (tyrosine hydroxylase; minus strand). Cytogenetic location: 11p15.5.
Variant type: single nucleotide variant.
Coding change: c.394G>A on transcript NM_000360.4 (MANE Select); coding-DNA position 394, G replaced by A.
Protein change: p.Val132Met; replaces valine 132 with methionine.
Molecular consequence: missense variant.
Genome position (GRCh38, 1-based): chr11:2,168,584, C>T on the plus strand (G>A on the coding strand, the complement: TH is on the minus strand). VCF-style: chr11-2168584-C-T. GRCh37 (hg19) VCF-style: chr11-2189814-C-T.
Other names: c.487G>A, p.Val163Met (NM_199292.3); c.475G>A, p.Val159Met (NM_199293.3); short protein forms V132M, V159M, V163M.
Identifiers: ClinVar variation 840771 (VCV000840771.5), dbSNP rs751702426, ClinGen allele CA5818683.